The following is an entry in ClinVar:

NM_001288705.3(CSF1R):c.2803A>G (p.Ser935Gly)

Gene: CSF1R (colony stimulating factor 1 receptor; minus strand). Cytogenetic location: 5q32.
Variant type: single nucleotide variant.
Coding change: c.2803A>G on transcript NM_001288705.3 (MANE Select); coding-DNA position 2803, A replaced by G.
Protein change: p.Ser935Gly; replaces serine 935 with glycine.
Molecular consequence: missense variant. On other transcripts: non-coding transcript variant (2).
Genome position (GRCh38, 1-based): chr5:150,054,185, T>C on the plus strand (A>G on the coding strand, the complement: CSF1R is on the minus strand). VCF-style: chr5-150054185-T-C. GRCh37 (hg19) VCF-style: chr5-149433748-T-C.
Other names: c.2803A>G, p.Ser935Gly (NM_001349736.2, NM_001375320.1, NM_005211.4); c.2359A>G, p.Ser787Gly (NM_001375321.1); short protein forms S787G, S935G.
Identifiers: ClinVar variation 1915100 (VCV001915100.5), dbSNP rs140118369, ClinGen allele CA3506329.

ClinVar aggregate classification (germline): Uncertain significance (1 of 4 stars; one submission).

Allele frequency attached by ClinVar (database versions not stated): TOPMed below 0.00001; ExAC 0.00002; gnomAD exomes 0.00003; ESP Exome Variant Server 0.00008.
gnomAD v4.1: 39 of 1,612,098 alleles (0.0024%); highest among the groups gnomAD compares: Non-Finnish European, 0.0032%; no homozygotes.

Submission:

Labcorp Genetics (formerly Invitae), Labcorp
Classification: Uncertain significance. Last evaluated: 2023-09-17. Review status: criteria provided, single submitter. Criteria: Invitae Variant Classification Sherloc (09022015). Collection method: clinical testing. Allele origin: germline.
Comment: This variant is present in population databases (rs140118369, gnomAD 0.002%). This sequence change replaces serine, which is neutral and polar, with glycine, which is neutral and non-polar, at codon 935 of the CSF1R protein (p.Ser935Gly). This variant has not been reported in the literature in individuals affected with CSF1R-related conditions. In summary, the available evidence is currently insufficient to determine the role of this variant in disease. Therefore, it has been classified as a Variant of Uncertain Significance. Advanced modeling of protein sequence and biophysical properties (such as structural, functional, and spatial information, amino acid conservation, physicochemical variation, residue mobility, and thermodynamic stability) performed at Invitae indicates that this missense variant is not expected to disrupt CSF1R protein function. ClinVar contains an entry for this variant (Variation ID: 1915100).